The following is an entry in ClinVar:

NM_000451.4(SHOX):c.518G>T (p.Arg173Leu)

Gene: SHOX (SHOX homeobox; plus strand). Cytogenetic location: Xp22.33.
Variant type: single nucleotide variant.
Coding change: c.518G>T on transcript NM_000451.4 (MANE Select); coding-DNA position 518, G replaced by T.
Protein change: p.Arg173Leu; replaces arginine 173 with leucine.
Molecular consequence: missense variant.
Genome position (GRCh38, 1-based): chrX:640,852, G>T. VCF-style: chrX-640852-G-T. GRCh37 (hg19) VCF-style: chrX-601587-G-T.
Other names: c.518G>T, p.Arg173Leu (NM_006883.2); short protein forms R173L.
Identifiers: ClinVar variation 3571595 (VCV003571595.2).

ClinVar aggregate classification (germline): Likely pathogenic (1 of 4 stars; one submission).

Submission:

Athena Diagnostics
Classification: Likely pathogenic. Last evaluated: 2025-05-27. Review status: criteria provided, single submitter. Criteria: Athena Diagnostics Criteria. Collection method: clinical testing. Allele origin: unknown.
Comment: This variant has not been reported in large, multi-ethnic general populations. This variant has been identified in at least one individual with clinical features associated with Leri-Weill dyschondrosteosis. Multiple missense variants at this codon, including at least one considered to be pathogenic or likely pathogenic, have been reported in individuals with clinical features associated with this gene, suggesting this variant may also cause disease. The variant is located in a region that is considered important for protein function and/or structure. At least one other missense variant at this codon is considered to be pathogenic or likely pathogenic, suggesting this variant may also cause disease.

Literature cited by the submitters: PubMed 23636926.